The following is an entry in ClinVar:

ClinVar aggregate classification (germline): Pathogenic. Review status: criteria provided, single submitter (1 of 4 stars). 2 submissions from 2 submitters: Pathogenic (1). 1 of the submissions does not count toward it. Last evaluated 2026-08-24.

Conditions:
Restrictive dermopathy 1 (RSDM1). Also called: RESTRICTIVE DERMOPATHY 1, LETHAL; FETAL HYPOKINESIA SEQUENCE DUE TO RESTRICTIVE DERMOPATHY; HYPERKERATOSIS-CONTRACTURE SYNDROME. Identifiers: MedGen C5676878, MONDO:0800042, OMIM 275210.

Submissions (2):

Clinical Genetics Laboratory, Skane University Hospital Lund
Classification: Pathogenic for Restrictive dermopathy 1. Last evaluated: 2026-08-24. Review status: criteria provided, single submitter. Criteria: ACMG Guidelines, 2015. Collection method: clinical testing. Allele origin: germline. Inheritance: Autosomal recessive inheritance. Affected: yes.
Comment: PVS1_Strong, PS4_Moderate, PM2, PP3 and PP4

ZMPSTE24 homepage - Leiden Muscular Dystrophy pages
No classification provided. Review status: no classification provided. Collection method: not provided. Allele origin: germline. Not counted in ClinVar's aggregate classification.
Comment: has functional consequence

NM_005857.5(ZMPSTE24):c.1204-5_1210del

Gene: ZMPSTE24 (zinc metallopeptidase STE24; plus strand). Cytogenetic location: 1p34.2.
Variant type: Deletion.
Coding change: c.1204-5_1210del on transcript NM_005857.5 (MANE Select); 5 bases into the intron before coding-DNA position 1204 through coding-DNA position 1210, 12 bases deleted (TTCAGGTTCTTT).
Molecular consequence: splice acceptor variant.
Genome position (GRCh38, 1-based): chr1:40,292,440-40,292,451, TTCAGGTTCTTT deleted; deleting any 12 consecutive bases within chr1:40,292,434-40,292,451 gives the same sequence; the c. name uses the placement nearest the transcript's 3' end. VCF-style (leftmost placement, unchanged base first): chr1-40292433-TTTCTTTTTCAGG-T. GRCh37 (hg19) VCF-style: chr1-40758105-TTTCTTTTTCAGG-T.
Other names: c.1204-5_1210del (LRG_212t1).
Identifiers: ClinVar variation 140514 (VCV000140514.2), dbSNP rs312262689, ClinGen allele CA232727.
Genomic context (GRCh38, chr1:40,292,433, plus strand): 5'-CTCAGCTCATGGAACCTTTAGTAACAACAAAGAGGTGGGCAGTGGCTAAAACCCTTTCAT[TTTCTTTTTCAGG>T]TTCTTTCTTTTTGCCTAACAGTCCTAAGCCGCAGATTTGAGTTTCAAGCTGATGCATTTG-3'